The following is an entry in ClinVar:

NM_000782.5(CYP24A1):c.628T>C (p.Trp210Arg)

Gene: CYP24A1 (cytochrome P450 family 24 subfamily A member 1; minus strand). Cytogenetic location: 20q13.2.
Variant type: single nucleotide variant.
Coding change: c.628T>C on transcript NM_000782.5 (MANE Select); coding-DNA position 628, T replaced by C.
Protein change: p.Trp210Arg; replaces tryptophan 210 with arginine.
Molecular consequence: missense variant.
Genome position (GRCh38, 1-based): chr20:54,169,604, A>G on the plus strand (T>C on the coding strand, the complement: CYP24A1 is on the minus strand). VCF-style: chr20-54169604-A-G. GRCh37 (hg19) VCF-style: chr20-52786143-A-G.
Other names: c.628T>C, p.Trp210Arg (NM_001128915.2, NM_001424340.1, NM_001424341.1 and 2 more transcripts); short protein forms W210R.
Identifiers: ClinVar variation 4857263 (VCV004857263.1).

ClinVar aggregate classification (germline): Uncertain significance (1 of 4 stars; one submission).

Conditions:
Hypercalcemia, infantile, 1 (HCINF1). Identifiers: Orphanet 300547, MedGen CN031131, MONDO:0020739, OMIM 143880.

gnomAD v4.1: 1 of 1,614,150 alleles (0.000062%); highest among the groups gnomAD compares: Non-Finnish European, 0.000085%; no homozygotes.

Submission:

MVZ Medizinische Genetik Mainz
Classification: Uncertain significance for Hypercalcemia, infantile, 1. Last evaluated: 2024-02-19. Review status: criteria provided, single submitter. Criteria: UK Practice Guidelines For Variant Classification V4 01 2020. Collection method: clinical testing. Allele origin: germline. Inheritance: Autosomal recessive inheritance. Affected: yes. Observed: 1 variant allele.
Comment: ACMG Criteria: PM3,PM2_SUP,PP3,PP4